The following is an entry in ClinVar:

NM_007294.4(BRCA1):c.5332+12G>T

Gene: BRCA1 (BRCA1 DNA repair associated; minus strand). Cytogenetic location: 17q21.31.
Variant type: single nucleotide variant.
Coding change: c.5332+12G>T on transcript NM_007294.4 (MANE Select); 12 bases into the intron after coding-DNA position 5332, G replaced by T.
Molecular consequence: intron variant.
Genome position (GRCh38, 1-based): chr17:43,051,051, C>A on the plus strand (G>T on the coding strand, the complement: BRCA1 is on the minus strand). VCF-style: chr17-43051051-C-A. GRCh37 (hg19) VCF-style: chr17-41203068-C-A.
Other names: c.1879+12G>T (NM_001408458.1, NM_001408461.1, NM_001408464.1 and 7 more transcripts); c.4441+12G>T (NM_001407967.1); c.4951+12G>T (NM_001407959.1); c.5065+12G>T (NM_001407931.1, NM_001407932.1, NM_001407928.1 and 4 more transcripts); c.5188+12G>T (NM_001407747.1, NM_001407745.1, NM_001407737.1 and 21 more transcripts); c.4948+12G>T (NM_001407962.1, NM_001407960.1); c.1519+12G>T (NM_001408512.1); c.1642+12G>T (NM_001408510.1); and 74 more.
Identifiers: ClinVar variation 868318 (VCV000868318.3), dbSNP rs2051192247, ClinGen allele CA916081003.
Genomic context (GRCh38, chr17:43,051,051, plus strand): 5'-TCTTGCTTATAATACTCCACTATGTAAGACAAAGGCTGGTGCTGGAACTCTGGGGTTCTC[C>A]CAGGCTCTTACCTGTGGGCATGTTGGTGAAGGGCCCATAGCAACAGATTTCTAGCCCCCT-3'

Conditions:
Breast-ovarian cancer, familial, susceptibility to, 1 (BROVCA1). Also called: BRCA1 Hereditary Breast and Ovarian Cancer; OVARIAN CANCER, SUSCEPTIBILITY TO. Identifiers: Orphanet 145, MedGen C2676676, MONDO:0011450, OMIM 604370. Disease mechanism: loss of function.

Submission:

Brotman Baty Institute, University of Washington
No classification provided (evidence only). Condition: Breast-ovarian cancer, familial 1. Review status: no classification provided. Collection method: in vitro. Allele origin: not applicable. Functional consequence: functionally_normal.
ClinVar note: "not provided" was previously submitted as the classification for the variant. However, the classification appeared to be based only on an observation of functional data so it was converted to no classification on 2025-07-30.